The following is an entry in ClinVar:

NM_018297.4(NGLY1):c.930C>T (p.Gly310=)

Gene: NGLY1 (N-glycanase 1; minus strand). Cytogenetic location: 3p24.2.
Variant type: single nucleotide variant.
Coding change: c.930C>T on transcript NM_018297.4 (MANE Select); coding-DNA position 930, C replaced by T.
Protein change: p.Gly310=; no amino-acid change (glycine 310 retained).
Molecular consequence: synonymous variant.
Genome position (GRCh38, 1-based): chr3:25,737,407, G>A on the plus strand (C>T on the coding strand, the complement: NGLY1 is on the minus strand). VCF-style: chr3-25737407-G-A. GRCh37 (hg19) VCF-style: chr3-25778898-G-A.
Other names: c.930C>T, p.Gly310= (NM_001145293.2, NM_001145295.2); c.804C>T, p.Gly268= (NM_001145294.2).
Identifiers: ClinVar variation 221583 (VCV000221583.11), dbSNP rs745814294, ClinGen allele CA2289338.

ClinVar aggregate classification (germline): Conflicting classifications of pathogenicity. Review status: criteria provided, conflicting classifications (1 of 4 stars). 5 submissions from 5 submitters: Likely pathogenic (2); Uncertain significance (1). 2 of the submissions do not count toward it. Last evaluated 2024-03-26.

Conditions:
Congenital disorder of deglycosylation 1. Also called: NGLY1-deficiency; NGLY1-Related Congenital Disorder of Deglycosylation. Identifiers: Orphanet 404454, MedGen CN306977, MONDO:0800044, OMIM 615273.
Congenital disorder of deglycosylation (CDDG). Identifiers: MedGen C3808991, MONDO:0031376.

Allele frequency attached by ClinVar (database versions not stated): TOPMed below 0.00001; ExAC 0.00001; gnomAD exomes 0.00001.
gnomAD v4.1: 8 of 1,613,730 alleles (0.0005%); highest among the groups gnomAD compares: South Asian, 0.0011%; no homozygotes.

Submissions (6):

Fulgent Genetics
Classification: Likely pathogenic for Congenital disorder of deglycosylation 1. Last evaluated: 2024-03-26. Review status: criteria provided, single submitter. Criteria: ACMG Guidelines, 2015. Collection method: clinical testing. Allele origin: germline.

Women's Health and Genetics/Laboratory Corporation of America, LabCorp
Classification: Likely pathogenic for Congenital disorder of deglycosylation. Last evaluated: 2024-03-25. Review status: criteria provided, single submitter. Criteria: LabCorp Variant Classification Summary - May 2015. Collection method: clinical testing. Allele origin: germline.
Comment: Variant summary: NGLY1 c.930C>T alters a conserved nucleotide resulting in a synonymous change. Several computational tools predict a significant impact on normal splicing: One predicts the variant strengthens a cryptic 3' acceptor site and two predict the variant creates this site. Publications report experimental evidence that this variant affects mRNA splicing (Wai_2020, Hirayama_2022). The variant allele was found at a frequency of 8e-06 in 251018 control chromosomes (gnomAD). c.930C>T has been reported in the literature in individuals affected with Congenital Disorder Of Deglycosylation who were compound heterozygous with a pathogenic variant (He_2015, Lam_2017). These data indicate that the variant may be associated with disease. At least one publication reports experimental evidence evaluating an impact on protein function (Hirayama_2022). The compound heterozygous patients showed severely reduced NGLA1 activity compared to the parent who carried p.Gln208Ter, and no activity was detected using a recombinant protein that is expected to result from the splicing alteration. The following publications have been ascertained in the context of this evaluation (PMID: 25900930, 27388694, 32123317, 34939090). ClinVar contains an entry for this variant (Variation ID: 221583). Based on the evidence outlined above, the variant was classified as likely pathogenic.

Labcorp Genetics (formerly Invitae), Labcorp
Classification: Uncertain significance for Congenital disorder of deglycosylation. Last evaluated: 2022-07-19. Review status: criteria provided, single submitter. Criteria: Invitae Variant Classification Sherloc (09022015). Collection method: clinical testing. Allele origin: germline.
Comment: This sequence change affects codon 310 of the NGLY1 mRNA. It is a 'silent' change, meaning that it does not change the encoded amino acid sequence of the NGLY1 protein. RNA analysis indicates that this variant induces altered splicing and likely results in the loss of 25 amino acid residue(s), but is expected to preserve the integrity of the reading-frame. This variant is present in population databases (rs745814294, gnomAD 0.002%). This variant has been observed in individual(s) with NGLY1-related conditions (PMID: 25900930). ClinVar contains an entry for this variant (Variation ID: 221583). Studies have shown that this variant results in the activation of a cryptic splice site in exon 6 (PMID: 32123317). In summary, the available evidence is currently insufficient to determine the role of this variant in disease. Therefore, it has been classified as a Variant of Uncertain Significance.

Medical Biochemical Genetics, National Human Genome institute, NIH, National Institutes of Health
Classification: Pathogenic for NGLY1-CDDG. Last evaluated: 2016-01-07. Review status: no assertion criteria provided. Collection method: clinical testing. Allele origin: inherited. Affected: yes. Observed: 2 variant alleles. Not counted in ClinVar's aggregate classification.
Comment: This change is predicted to create a new cryptic splice donor site by in silico splice algorithms, which may lead to abnormal gene splicing. Functional data show that this mutation leads to much less protein product on western blots, in addition to the consistent clinical phenotype we see in the patients.

Dr. Peter K. Rogan Lab, Western University
No classification provided (evidence only). Condition: Uterine corpus endometrial carcinoma. Review status: no classification provided. Collection method: in vitro. Allele origin: not applicable. Functional consequence: retained intron. Not counted in ClinVar's aggregate classification.

GeneReviews
No classification provided. Condition: Congenital disorder of deglycosylation. Review status: no classification provided. Collection method: literature only. Allele origin: germline. Not counted in ClinVar's aggregate classification.
Comment: Splice site variant. Mild impairment

Literature cited by the submitters: PubMed 32123317 (cited by Women's Health and Genetics/Laboratory Corporation of America, LabCorp and Labcorp Genetics (formerly Invitae), Labcorp); PubMed 25900930 (cited by 3 submitters); PubMed 27388694 (cited by 3 submitters); PubMed 34939090 (cited by Women's Health and Genetics/Laboratory Corporation of America, LabCorp); PubMed 29419975 (cited by GeneReviews).